The following is an entry in ClinVar:

NM_001367624.2(ZNF469):c.4456G>A (p.Asp1486Asn)

Gene: ZNF469 (zinc finger protein 469; plus strand). Cytogenetic location: 16q24.2.
Variant type: single nucleotide variant.
Coding change: c.4456G>A on transcript NM_001367624.2 (MANE Select); coding-DNA position 4456, G replaced by A.
Protein change: p.Asp1486Asn; replaces aspartic acid 1486 with asparagine.
Molecular consequence: missense variant.
Genome position (GRCh38, 1-based): chr16:88,431,926, G>A. VCF-style: chr16-88431926-G-A. GRCh37 (hg19) VCF-style: chr16-88498334-G-A.
Other names: NM_001127464.1:c.4372G>A; short protein forms D1486N.
Identifiers: ClinVar variation 320924 (VCV000320924.42), dbSNP rs373777402, ClinGen allele CA8224962.

ClinVar aggregate classification (germline): Conflicting classifications of pathogenicity. Review status: criteria provided, conflicting classifications (1 of 4 stars). 6 submissions from 6 submitters: Uncertain significance (2); Benign (2); Likely benign (2). Last evaluated 2026-04-08.

Conditions:
Cardiovascular phenotype. Identifiers: MedGen CN230736.
Brittle cornea syndrome 1 (BCS1). Also called: CORNEAL FRAGILITY, KERATOGLOBUS, BLUE SCLERAE, JOINT HYPEREXTENSIBILITY; EDS6B; DYSGENESIS MESODERMALIS CORNEAE ET SCLERAE; FRAGILITAS OCULI WITH JOINT HYPEREXTENSIBILITY; Corneal fragility keratoglobus, blue sclerae AND joint hypermobility. Identifiers: Orphanet 90354, MedGen C0268344, MONDO:0024543, OMIM 229200.

Allele frequency attached by ClinVar (database versions not stated): gnomAD 0.00036 and 0.00034; ESP Exome Variant Server 0.00044; TOPMed 0.00048; gnomAD exomes 0.00077; ExAC 0.00102.
gnomAD v4.1: 467 of 1,549,412 alleles (0.03%); highest among the groups gnomAD compares: Admixed American, 0.063%; no homozygotes.

Submissions (6):

Women's Health and Genetics/Laboratory Corporation of America, LabCorp
Classification: Likely benign. Last evaluated: 2026-04-08. Review status: criteria provided, single submitter. Criteria: LabCorp Variant Classification Summary - May 2015. Collection method: clinical testing. Allele origin: germline.
Comment: Variant summary: ZNF469 c.4456G>A (p.Asp1486Asn) results in a conservative amino acid change in the encoded protein sequence. Algorithms developed to predict the effect of missense changes on protein structure and function are either unavailable or do not agree on the potential impact of this missense change. The variant allele was found at a frequency of 0.00077 in 153230 control chromosomes, predominantly at a frequency of 0.0088 within the Ashkenazi Jewish subpopulation in the gnomAD database. The observed variant frequency within Ashkenazi Jewish control individuals in the gnomAD database exceeds the estimated maximal expected allele frequency for disease-causing variants in ZNF469. To our knowledge, no occurrence of c.4456G>A in individuals affected with ZNF469-related conditions and no experimental evidence demonstrating its impact on protein function have been reported. ClinVar contains an entry for this variant (Variation ID: 320924). Based on the evidence outlined above, the variant was classified as likely benign.

Labcorp Genetics (formerly Invitae), Labcorp
Classification: Benign. Last evaluated: 2026-01-31. Review status: criteria provided, single submitter. Criteria: Invitae Variant Classification Sherloc (09022015). Collection method: clinical testing. Allele origin: germline.

CeGaT Center for Human Genetics Tuebingen
Classification: Uncertain significance. Last evaluated: 2024-07-01. Review status: criteria provided, single submitter. Criteria: CeGaT Center For Human Genetics Tuebingen Variant Classification Criteria Version 2. Collection method: clinical testing. Allele origin: germline. Affected: yes. Observed: 3 variant alleles.
Comment: ZNF469: PM2, BP4

GeneDx
Classification: Likely benign. Last evaluated: 2021-08-01. Review status: criteria provided, single submitter. Criteria: GeneDx Variant Classification Process June 2021. Collection method: clinical testing. Allele origin: germline. Affected: yes.

Department of Pathology and Laboratory Medicine, Sinai Health System
Classification: Uncertain significance for Brittle cornea syndrome 1. Last evaluated: 2021-07-30. Review status: criteria provided, single submitter. Criteria: ACMG Guidelines, 2015. Collection method: research. Allele origin: germline.

Ambry Genetics
Classification: Benign for Cardiovascular phenotype. Last evaluated: 2020-10-15. Review status: criteria provided, single submitter. Criteria: Ambry Variant Classification Scheme 2023. Collection method: clinical testing. Allele origin: germline.